The following is an entry in ClinVar:

NM_000214.3(JAG1):c.310G>A (p.Gly104Ser)

Gene: JAG1 (jagged canonical Notch ligand 1; minus strand). Cytogenetic location: 20p12.2.
Variant type: single nucleotide variant.
Coding change: c.310G>A on transcript NM_000214.3 (MANE Select); coding-DNA position 310, G replaced by A.
Protein change: p.Gly104Ser; replaces glycine 104 with serine.
Molecular consequence: missense variant.
Genome position (GRCh38, 1-based): chr20:10,672,778, C>T on the plus strand (G>A on the coding strand, the complement: JAG1 is on the minus strand). VCF-style: chr20-10672778-C-T. GRCh37 (hg19) VCF-style: chr20-10653426-C-T.
Other names: short protein forms G104S.
Identifiers: ClinVar variation 2130001 (VCV002130001.4), dbSNP rs2514537771, ClinGen allele CA408242716.

ClinVar aggregate classification (germline): Uncertain significance (1 of 4 stars; one submission).

Conditions:
Alagille syndrome due to a JAG1 point mutation. Also called: HEPATIC DUCTULAR HYPOPLASIA, SYNDROMATIC; JAG1-Related Alagille Syndrome; Alagille Syndrome 1. Identifiers: Orphanet 261619, Orphanet 52, MedGen C1956125, MONDO:0016862, OMIM 118450.

Submission:

Labcorp Genetics (formerly Invitae), Labcorp
Classification: Uncertain significance for Alagille syndrome due to a JAG1 point mutation. Last evaluated: 2022-04-24. Review status: criteria provided, single submitter. Criteria: Invitae Variant Classification Sherloc (09022015). Collection method: clinical testing. Allele origin: germline.
Comment: This variant has not been reported in the literature in individuals affected with JAG1-related conditions. Algorithms developed to predict the effect of missense changes on protein structure and function (SIFT, PolyPhen-2, Align-GVGD) all suggest that this variant is likely to be disruptive. In summary, the available evidence is currently insufficient to determine the role of this variant in disease. Therefore, it has been classified as a Variant of Uncertain Significance. This variant is not present in population databases (gnomAD no frequency). This sequence change replaces glycine, which is neutral and non-polar, with serine, which is neutral and polar, at codon 104 of the JAG1 protein (p.Gly104Ser).